The following is an entry in ClinVar:

NM_000057.4(BLM):c.842A>C (p.His281Pro)

Gene: BLM (BLM RecQ like helicase; plus strand). Cytogenetic location: 15q26.1.
Variant type: single nucleotide variant.
Coding change: c.842A>C on transcript NM_000057.4 (MANE Select); coding-DNA position 842, A replaced by C.
Protein change: p.His281Pro; replaces histidine 281 with proline.
Molecular consequence: missense variant. On other transcripts: 5 prime UTR variant (1).
Genome position (GRCh38, 1-based): chr15:90,751,829, A>C. VCF-style: chr15-90751829-A-C. GRCh37 (hg19) VCF-style: chr15-91295059-A-C.
Other names: p.H281P:CAT>CCT; c.842A>C, p.His281Pro (NM_001287246.2, NM_001287247.2); c.-450A>C (NM_001287248.2); c.842A>C (LRG_20t1); short protein forms H281P.
Identifiers: ClinVar variation 127517 (VCV000127517.25), dbSNP rs202042636, ClinGen allele CA157430.

ClinVar aggregate classification (germline): Uncertain significance. Review status: criteria provided, multiple submitters, no conflicts (2 of 4 stars). 10 submissions from 10 submitters: Uncertain significance (8). 2 of the submissions do not count toward it. Last evaluated 2026-01-28.

Conditions:
BLM-related disorder. Also called: BLM-related condition.
Hereditary cancer-predisposing syndrome. Also called: Neoplastic Syndromes, Hereditary; Tumor predisposition; Hereditary Cancer Syndrome; Hereditary neoplastic syndrome. Identifiers: Orphanet 140162, MedGen C0027672, MeSH D009386, MONDO:0015356.
Bloom syndrome (BLM). Also called: Bloom-Torre-Machacek syndrome. Identifiers: Orphanet 125, MedGen C0005859, MONDO:0008876, OMIM 210900.

Allele frequency attached by ClinVar (database versions not stated): ExAC 0.00009; gnomAD 0.00014; ESP Exome Variant Server 0.00015; TOPMed 0.00017.
gnomAD v4.1: 291 of 1,613,098 alleles (0.018%); highest among the groups gnomAD compares: Admixed American, 0.025%; no homozygotes.

Submissions (10):

Labcorp Genetics (formerly Invitae), Labcorp
Classification: Uncertain significance for Bloom syndrome. Last evaluated: 2026-01-28. Review status: criteria provided, single submitter. Criteria: Invitae Variant Classification Sherloc (09022015). Collection method: clinical testing. Allele origin: germline.
Comment: This sequence change replaces histidine, which is basic and polar, with proline, which is neutral and non-polar, at codon 281 of the BLM protein (p.His281Pro). This variant is present in population databases (rs202042636, gnomAD 0.02%). This variant has not been reported in the literature in individuals affected with BLM-related conditions. ClinVar contains an entry for this variant (Variation ID: 127517). Invitae Evidence Modeling of protein sequence and biophysical properties (such as structural, functional, and spatial information, amino acid conservation, physicochemical variation, residue mobility, and thermodynamic stability) indicates that this missense variant is not expected to disrupt BLM protein function with a negative predictive value of 80%. In summary, the available evidence is currently insufficient to determine the role of this variant in disease. Therefore, it has been classified as a Variant of Uncertain Significance.

PreventionGenetics, part of Exact Sciences
Classification: Uncertain significance for BLM-related condition. Last evaluated: 2025-07-23. Review status: criteria provided, single submitter. Criteria: ACMG Guidelines, 2015. Collection method: clinical testing. Allele origin: germline.
Comment: The BLM c.842A>C variant is predicted to result in the amino acid substitution p.His281Pro. To our knowledge, this variant has not been reported in the literature in BLM-related conditions. This variant is reported in 0.020% of alleles in individuals of Latino descent in gnomAD and is listed in ClinVar with an interpretation of uncertain significance (Variation ID: 127517). At this time, the clinical significance of this variant is uncertain due to the absence of conclusive functional and genetic evidence.

Quest Diagnostics Nichols Institute San Juan Capistrano
Classification: Uncertain significance. Last evaluated: 2025-05-29. Review status: criteria provided, single submitter. Criteria: Quest Diagnostics criteria. Collection method: clinical testing. Allele origin: unknown.
Comment: The BLM c.842A>C (p.His281Pro) variant has been reported in the published literature in families at high risk for breast and ovarian cancer (PMID: 27153395 (2016), 30306255 (2018)) as well as in a reportedly unaffected individual (PMID: 24728327 (2014)). The frequency of this variant in the general population (Genome Aggregation Database) is uninformative in the assessment of its pathogenicity. Analysis of this variant using bioinformatics tools for the prediction of the effect of amino acid changes on protein structure and function yielded predictions that this variant is benign. Based on the available information, we are unable to determine the clinical significance of this variant.

Ambry Genetics
Classification: Uncertain significance for Hereditary cancer-predisposing syndrome. Last evaluated: 2025-01-31. Review status: criteria provided, single submitter. Criteria: Ambry Variant Classification Scheme 2023. Collection method: clinical testing. Allele origin: germline.
Comment: The p.H281P variant (also known as c.842A>C), located in coding exon 3 of the BLM gene, results from an A to C substitution at nucleotide position 842. The histidine at codon 281 is replaced by proline, an amino acid with similar properties. This variant was identified in a cohort of 681 ancestrally diverse, healthy subjects (Bodian DL et al. PLoS ONE, 2014 Apr;9:e94554). This amino acid position is not well conserved in available vertebrate species. In addition, this alteration is predicted to be tolerated by in silico analysis. Since supporting evidence is limited at this time, the clinical significance of this alteration remains unclear.

ARUP Laboratories, Molecular Genetics and Genomics, ARUP Laboratories
Classification: Uncertain significance for Bloom syndrome. Last evaluated: 2024-07-17. Review status: criteria provided, single submitter. Criteria: ARUP Molecular Germline Variant Investigation Process 2024. Collection method: clinical testing. Allele origin: germline.

Women's Health and Genetics/Laboratory Corporation of America, LabCorp
Classification: Uncertain significance. Last evaluated: 2023-06-05. Review status: criteria provided, single submitter. Criteria: LabCorp Variant Classification Summary - May 2015. Collection method: clinical testing. Allele origin: germline.
Comment: Variant summary: BLM c.842A>C (p.His281Pro) results in a non-conservative amino acid change located in the RecQ-like DNA helicase BLM, N-terminal domain (IPR032437) of the encoded protein sequence. Four of five in-silico tools predict a benign effect of the variant on protein function. The variant allele was found at a frequency of 0.0001 in 251246 control chromosomes (gnomAD). This frequency is not significantly higher than estimated for a pathogenic variant in BLM causing Bloom Syndrome (0.0001 vs 0.0035), allowing no conclusion about variant significance. To our knowledge, c.842A>C has not been reported in the literature in individuals affected with Bloom Syndrome and no experimental evidence demonstrating an impact on protein function has been reported. The following publication has been ascertained in the context of this evaluation (PMID: 24728327). Five clinical diagnostic laboratories have submitted clinical-significance assessments for this variant to ClinVar after 2014 and classified the variant as uncertain significance. Based on the evidence outlined above, the variant was classified as uncertain significance.

GeneDx
Classification: Uncertain significance. Last evaluated: 2023-02-28. Review status: criteria provided, single submitter. Criteria: GeneDx Variant Classification Process June 2021. Collection method: clinical testing. Allele origin: germline. Affected: yes.
Comment: Identified in healthy individuals undergoing whole genome sequencing (Bodian et al., 2014); In silico analysis supports that this missense variant does not alter protein structure/function; This variant is associated with the following publications: (PMID: 24728327)

Fulgent Genetics
Classification: Uncertain significance for Bloom syndrome. Last evaluated: 2018-10-31. Review status: criteria provided, single submitter. Criteria: ACMG Guidelines, 2015. Collection method: clinical testing. Allele origin: unknown.

Natera, Inc.
Classification: Uncertain significance for Bloom syndrome. Last evaluated: 2020-09-16. Review status: no assertion criteria provided. Collection method: clinical testing. Allele origin: germline. Not counted in ClinVar's aggregate classification.

ITMI
No classification provided. Condition: AllHighlyPenetrant. Last evaluated: 2013-09-19. Review status: no classification provided. Collection method: reference population. Allele origin: germline. Not counted in ClinVar's aggregate classification.
Comment: Please see associated publication for description of ethnicities

Literature cited by the submitters: PubMed 30306255 (cited by Quest Diagnostics Nichols Institute San Juan Capistrano); PubMed 27153395 (cited by Quest Diagnostics Nichols Institute San Juan Capistrano); PubMed 20579941 (cited by Quest Diagnostics Nichols Institute San Juan Capistrano); PubMed 24728327 (cited by 4 submitters).